The following is an entry in ClinVar:

ClinVar aggregate classification (germline): Pathogenic/Likely pathogenic. Review status: criteria provided, multiple submitters, no conflicts (2 of 4 stars). 3 submissions from 3 submitters: Pathogenic (1); Likely pathogenic (2). Last evaluated 2025-03-24.

Conditions:
Hepatoencephalopathy due to combined oxidative phosphorylation defect type 1. Also called: HEPATOENCEPHALOPATHY, EARLY FATAL PROGRESSIVE. Identifiers: Orphanet 137681, MedGen C1836797, MONDO:0012191, OMIM 609060.

Allele frequency attached by ClinVar (database versions not stated): gnomAD 0.00001.
gnomAD v4.1: 7 of 1,613,894 alleles (0.00043%); highest among the groups gnomAD compares: African/African-American, 0.0013%; no homozygotes.

Submissions (3):

Natera, Inc.
Classification: Likely pathogenic for Combined oxidative phosphorylation deficiency 1. Last evaluated: 2025-03-24. Review status: criteria provided, single submitter. Criteria: Natera Variant Classification Schema (03/2026). Collection method: clinical testing. Allele origin: germline.
Comment: The c.1882C>T variant in GFM1 is a nonsense variant predicted to introduce a stop codon at amino acid 628. This variant is expected to result in nonsense mediated decay, truncation, or a dysfunctional protein product. This variant is rare in the general population with a frequency below the threshold expected for the associated phenotype(s). Given the available evidence, this variant is classified as Likely Pathogenic.

Baylor Genetics
Classification: Likely pathogenic for Hepatoencephalopathy due to combined oxidative phosphorylation defect type 1. Last evaluated: 2024-02-08. Review status: criteria provided, single submitter. Criteria: ACMG Guidelines, 2015. Collection method: clinical testing. Allele origin: unknown.

Labcorp Genetics (formerly Invitae), Labcorp
Classification: Pathogenic. Last evaluated: 2024-01-26. Review status: criteria provided, single submitter. Criteria: Invitae Variant Classification Sherloc (09022015). Collection method: clinical testing. Allele origin: germline.
Comment: This sequence change creates a premature translational stop signal (p.Arg628*) in the GFM1 gene. It is expected to result in an absent or disrupted protein product. Loss-of-function variants in GFM1 are known to be pathogenic (PMID: 16632485, 17160893). This variant is not present in population databases (gnomAD no frequency). This variant has not been reported in the literature in individuals affected with GFM1-related conditions. ClinVar contains an entry for this variant (Variation ID: 1453055). For these reasons, this variant has been classified as Pathogenic.

Literature cited by the submitters: PubMed 16632485 (cited by Labcorp Genetics (formerly Invitae), Labcorp); PubMed 17160893 (cited by Labcorp Genetics (formerly Invitae), Labcorp).

NM_024996.7(GFM1):c.1882C>T (p.Arg628Ter)

Gene: GFM1 (G elongation factor mitochondrial 1; plus strand). Cytogenetic location: 3q25.32.
Variant type: single nucleotide variant.
Coding change: c.1882C>T on transcript NM_024996.7 (MANE Select); coding-DNA position 1882, C replaced by T.
Protein change: p.Arg628Ter; replaces arginine 628 with a stop codon.
Molecular consequence: nonsense. On other transcripts: non-coding transcript variant (2).
Genome position (GRCh38, 1-based): chr3:158,684,641, C>T. VCF-style: chr3-158684641-C-T. GRCh37 (hg19) VCF-style: chr3-158402430-C-T.
Other names: c.1939C>T, p.Arg647Ter (NM_001308164.2); c.1801C>T, p.Arg601Ter (NM_001374355.1); c.1765C>T, p.Arg589Ter (NM_001374356.1); c.1657C>T, p.Arg553Ter (NM_001374357.1); c.1423C>T, p.Arg475Ter (NM_001374358.1); c.1315C>T, p.Arg439Ter (NM_001374359.1, NM_001374360.1); c.1198C>T, p.Arg400Ter (NM_001374361.1); c.1882C>T (NM_024996.5); short protein forms R439*, R589*, R647*, R400*, R475*, R628*, R601*, R553*.
Identifiers: ClinVar variation 1453055 (VCV001453055.9), dbSNP rs889180452, ClinGen allele CA86528431.